The following is an entry in ClinVar:

ClinVar aggregate classification (germline): Uncertain significance. Review status: criteria provided, multiple submitters, no conflicts (2 of 4 stars). 2 submissions from 2 submitters: Uncertain significance (2). Last evaluated 2022-07-27.

Conditions:
Myopathy, centronuclear, 5 (CNM5). Identifiers: Orphanet 169186, MedGen C4014814, MONDO:0014418, OMIM 615959.

gnomAD v4.1: 13 of 1,598,896 alleles (0.00081%); highest among the groups gnomAD compares: African/African-American, 0.0013%; no homozygotes.

Submissions (2):

Labcorp Genetics (formerly Invitae), Labcorp
Classification: Uncertain significance. Last evaluated: 2022-07-27. Review status: criteria provided, single submitter. Criteria: Invitae Variant Classification Sherloc (09022015). Collection method: clinical testing. Allele origin: germline.
Comment: This sequence change replaces arginine, which is basic and polar, with proline, which is neutral and non-polar, at codon 2141 of the SPEG protein (p.Arg2141Pro). This variant is not present in population databases (gnomAD no frequency). This variant has not been reported in the literature in individuals affected with SPEG-related conditions. Algorithms developed to predict the effect of missense changes on protein structure and function are either unavailable or do not agree on the potential impact of this missense change (SIFT: "Tolerated"; PolyPhen-2: "Probably Damaging"; Align-GVGD: "Class C0"). In summary, the available evidence is currently insufficient to determine the role of this variant in disease. Therefore, it has been classified as a Variant of Uncertain Significance.

Revvity Omics, Revvity
Classification: Uncertain significance for Myopathy, centronuclear, 5. Last evaluated: 2022-03-17. Review status: criteria provided, single submitter. Criteria: ACMG Guidelines, 2015. Collection method: clinical testing. Allele origin: germline.

NM_005876.5(SPEG):c.6422G>C (p.Arg2141Pro)

Genes: ASIC4-AS1 (ASIC4 antisense RNA 1; minus strand), SPEG (striated muscle enriched protein kinase; plus strand). Cytogenetic location: 2q35.
Variant type: single nucleotide variant.
Coding change: c.6422G>C on transcript NM_005876.5 (MANE Select); coding-DNA position 6422, G replaced by C.
Protein change: p.Arg2141Pro; replaces arginine 2141 with proline.
Molecular consequence: missense variant.
Genome position (GRCh38, 1-based): chr2:219,483,885, G>C. VCF-style: chr2-219483885-G-C. GRCh37 (hg19) VCF-style: chr2-220348607-G-C.
Other names: short protein forms R2141P.
Identifiers: ClinVar variation 1920330 (VCV001920330.5), dbSNP rs995692614, ClinGen allele CA350697821.